The following is an entry in ClinVar:

ClinVar aggregate classification (germline): Pathogenic. Review status: criteria provided, multiple submitters, no conflicts (2 of 4 stars). 2 submissions from 2 submitters: Pathogenic (2). Last evaluated 2023-08-10.

Conditions:
Duchenne muscular dystrophy (DMD). Also called: MUSCULAR DYSTROPHY, PSEUDOHYPERTROPHIC PROGRESSIVE, DUCHENNE TYPE; Duchenne Muscular Dystrophy (DMD). Identifiers: Orphanet 98896, MedGen C0013264, MONDO:0010679, OMIM 310200.
Neuromuscular disease caused by qualitative or quantitative defects of dystrophin. Also called: Qualitative or quantitative defects of dystrophin. Identifiers: Orphanet 207085, MedGen C5679787, MONDO:0016147.

Submissions (2):

Women's Health and Genetics/Laboratory Corporation of America, LabCorp
Classification: Pathogenic for Neuromuscular disease caused by qualitative or quantitative defects of dystrophin. Last evaluated: 2023-08-10. Review status: criteria provided, single submitter. Criteria: LabCorp Variant Classification Summary - May 2015. Collection method: clinical testing. Allele origin: germline.
Comment: Variant summary: DMD c.5428G>T (p.Glu1810X) results in a premature termination codon, predicted to cause a truncation of the encoded protein or absence of the protein due to nonsense mediated decay, which are commonly known mechanisms for disease. The variant was absent in 182759 control chromosomes (gnomAD). To our knowledge, no occurrence of c.5428G>T in individuals affected with Dystrophinopathies and no experimental evidence demonstrating its impact on protein function have been reported. One submitter has reported clinical-significance assessments for this variant to ClinVar after 2014 and has classified the variant as pathogenic. Based on the evidence outlined above, the variant was classified as pathogenic.

Labcorp Genetics (formerly Invitae), Labcorp
Classification: Pathogenic for Duchenne muscular dystrophy. Last evaluated: 2022-04-15. Review status: criteria provided, single submitter. Criteria: Invitae Variant Classification Sherloc (09022015). Collection method: clinical testing. Allele origin: germline.
Comment: For these reasons, this variant has been classified as Pathogenic. Algorithms developed to predict the effect of sequence changes on RNA splicing suggest that this variant may disrupt the consensus splice site. This variant has not been reported in the literature in individuals affected with DMD-related conditions. This variant is not present in population databases (gnomAD no frequency). This sequence change creates a premature translational stop signal (p.Glu1810*) in the DMD gene. It is expected to result in an absent or disrupted protein product. Loss-of-function variants in DMD are known to be pathogenic (PMID: 16770791, 25007885).

Literature cited by the submitters: PubMed 16770791 (cited by Labcorp Genetics (formerly Invitae), Labcorp); PubMed 25007885 (cited by Labcorp Genetics (formerly Invitae), Labcorp).

NM_004006.3(DMD):c.5428G>T (p.Glu1810Ter)

Gene: DMD (dystrophin; minus strand). Cytogenetic location: Xp21.1.
Variant type: single nucleotide variant.
Coding change: c.5428G>T on transcript NM_004006.3 (MANE Select); coding-DNA position 5428, G replaced by T.
Protein change: p.Glu1810Ter; replaces glutamic acid 1810 with a stop codon.
Molecular consequence: nonsense.
Genome position (GRCh38, 1-based): chrX:32,348,426, C>A on the plus strand (G>T on the coding strand, the complement: DMD is on the minus strand). VCF-style: chrX-32348426-C-A. GRCh37 (hg19) VCF-style: chrX-32366543-C-A.
Other names: c.5404G>T, p.Glu1802Ter (NM_000109.4); c.5416G>T, p.Glu1806Ter (NM_004009.3); c.5059G>T, p.Glu1687Ter (NM_004010.3); c.1405G>T, p.Glu469Ter (NM_004011.4); c.1396G>T, p.Glu466Ter (NM_004012.4); short protein forms E1806*, E1810*, E1802*, E1687*, E466*, E469*.
Identifiers: ClinVar variation 2126154 (VCV002126154.5), dbSNP rs2522056967, ClinGen allele CA412667651.